The following is an entry in ClinVar:

ClinVar aggregate classification (germline): Uncertain significance (1 of 4 stars; one submission).

Submission:

Labcorp Genetics (formerly Invitae), Labcorp
Classification: Uncertain significance. Last evaluated: 2023-10-03. Review status: criteria provided, single submitter. Criteria: Invitae Variant Classification Sherloc (09022015). Collection method: clinical testing. Allele origin: germline.
Comment: This sequence change results in a frameshift in the LAMC3 gene (p.Cys1571Trpfs*22). While this is not anticipated to result in nonsense mediated decay, it is expected to disrupt the last 5 amino acid(s) of the LAMC3 protein and extend the protein by 16 additional amino acid residues. This variant is not present in population databases (gnomAD no frequency). This variant has not been reported in the literature in individuals affected with LAMC3-related conditions. Experimental studies and prediction algorithms are not available or were not evaluated, and the functional significance of this variant is currently unknown. In summary, the available evidence is currently insufficient to determine the role of this variant in disease. Therefore, it has been classified as a Variant of Uncertain Significance.

NM_006059.4(LAMC3):c.4713del (p.Cys1571fs)

Gene: LAMC3 (laminin subunit gamma 3; plus strand). Cytogenetic location: 9q34.12.
Variant type: Deletion.
Coding change: c.4713del on transcript NM_006059.4 (MANE Select); coding-DNA position 4713, one base deleted (T; older notation c.4713delT).
Protein change: p.Cys1571fs; shifts the reading frame from cysteine 1571.
Molecular consequence: frameshift variant.
Genome position (GRCh38, 1-based): chr9:131,091,772, T deleted. VCF-style (leftmost placement, unchanged base first): chr9-131091771-GT-G. GRCh37 (hg19) VCF-style: chr9-133967158-GT-G.
Other names: short protein forms C1571fs.
Identifiers: ClinVar variation 2829592 (VCV002829592.3), dbSNP rs2538334362, ClinGen allele CA2739265134.
Genomic context (GRCh38, chr9:131,091,771, plus strand): 5'-CCGAGATCCGCGCCGACAAACAGAACCTGGAGGCCATTCTGCACAGCCTGCCCGAGAACT[GT>G]GCCAGCTGGCAGTGAGGGCTGCCCAGATCCCCGGCACACACTCCCCCACCTGCTGTTTAC-3'